The following is an entry in ClinVar:

ClinVar aggregate classification (germline): Uncertain significance (1 of 4 stars; one submission).

Allele frequency attached by ClinVar (database versions not stated): gnomAD exomes below 0.00001; TOPMed below 0.00001.
gnomAD v4.1: 3 of 1,198,524 alleles (0.00025%); highest among the groups gnomAD compares: Admixed American, 0.0022%; no homozygotes.

Submission:

Labcorp Genetics (formerly Invitae), Labcorp
Classification: Uncertain significance. Last evaluated: 2023-04-29. Review status: criteria provided, single submitter. Criteria: Invitae Variant Classification Sherloc (09022015). Collection method: clinical testing. Allele origin: germline.
Comment: This variant has not been reported in the literature in individuals affected with PHEX-related conditions. This variant is present in population databases (no rsID available, gnomAD 0.004%). This sequence change replaces threonine, which is neutral and polar, with isoleucine, which is neutral and non-polar, at codon 605 of the PHEX protein (p.Thr605Ile). In summary, the available evidence is currently insufficient to determine the role of this variant in disease. Therefore, it has been classified as a Variant of Uncertain Significance. Algorithms developed to predict the effect of missense changes on protein structure and function output the following: SIFT: "Not Available"; PolyPhen-2: "Benign"; Align-GVGD: "Not Available". The isoleucine amino acid residue is found in multiple mammalian species, which suggests that this missense change does not adversely affect protein function.

NM_000444.6(PHEX):c.1814C>T (p.Thr605Ile)

Genes: PHEX (phosphate regulating endopeptidase X-linked; plus strand), PTCHD1-AS (PTCHD1 and PHEX antisense RNA; minus strand). Cytogenetic location: Xp22.11.
Variant type: single nucleotide variant.
Coding change: c.1814C>T on transcript NM_000444.6 (MANE Select); coding-DNA position 1814, C replaced by T.
Protein change: p.Thr605Ile; replaces threonine 605 with isoleucine.
Molecular consequence: missense variant.
Genome position (GRCh38, 1-based): chrX:22,221,658, C>T. VCF-style: chrX-22221658-C-T. GRCh37 (hg19) VCF-style: chrX-22239775-C-T.
Other names: c.1814C>T, p.Thr605Ile (NM_001282754.2); short protein forms T605I.
Identifiers: ClinVar variation 2997328 (VCV002997328.3), dbSNP rs1344761290, ClinGen allele CA412573615.
Genomic context (GRCh38, chrX:22,221,658, plus strand): 5'-TTTTCCTTTTGCTAGGTAGAAAATATGATAAAAATGGAAACCTGGATCCTTGGTGGTCTA[C>T]TGAATCAGAAGAAAAGTTTAAGGAAAAAACAAAATGCATGATTAACCAGTATAGCAACTA-3'
Protein context (NP_000435.3, residues 595-615): KNGNLDPWWS[Thr605Ile]ESEEKFKEKT